The following is an entry in ClinVar:

NM_018136.5(ASPM):c.7927C>T (p.His2643Tyr)

Gene: ASPM (assembly factor for spindle microtubules; minus strand). Cytogenetic location: 1q31.3.
Variant type: single nucleotide variant.
Coding change: c.7927C>T on transcript NM_018136.5 (MANE Select); coding-DNA position 7927, C replaced by T.
Protein change: p.His2643Tyr; replaces histidine 2643 with tyrosine.
Molecular consequence: missense variant. On other transcripts: intron variant (1).
Genome position (GRCh38, 1-based): chr1:197,101,324, G>A on the plus strand (C>T on the coding strand, the complement: ASPM is on the minus strand). VCF-style: chr1-197101324-G-A. GRCh37 (hg19) VCF-style: chr1-197070454-G-A.
Other names: c.4066-5160C>T (NM_001206846.2); short protein forms H2643Y.
Identifiers: ClinVar variation 2014729 (VCV002014729.4), dbSNP rs1279276998, ClinGen allele CA344014641.

ClinVar aggregate classification (germline): Uncertain significance (1 of 4 stars; one submission).

gnomAD v4.1: 9 of 1,611,340 alleles (0.00056%); highest among the groups gnomAD compares: Non-Finnish European, 0.00076%; no homozygotes.

Submission:

Labcorp Genetics (formerly Invitae), Labcorp
Classification: Uncertain significance. Last evaluated: 2022-10-18. Review status: criteria provided, single submitter. Criteria: Invitae Variant Classification Sherloc (09022015). Collection method: clinical testing. Allele origin: germline.
Comment: This variant has not been reported in the literature in individuals affected with ASPM-related conditions. This variant is present in population databases (no rsID available, gnomAD 0.0009%). This sequence change replaces histidine, which is basic and polar, with tyrosine, which is neutral and polar, at codon 2643 of the ASPM protein (p.His2643Tyr). Advanced modeling of protein sequence and biophysical properties (such as structural, functional, and spatial information, amino acid conservation, physicochemical variation, residue mobility, and thermodynamic stability) performed at Invitae indicates that this missense variant is not expected to disrupt ASPM protein function. In summary, the available evidence is currently insufficient to determine the role of this variant in disease. Therefore, it has been classified as a Variant of Uncertain Significance.